The following is an entry in ClinVar:

ClinVar aggregate classification (germline): Uncertain significance (1 of 4 stars; one submission).

Conditions:
Bethlem myopathy 1A. Also called: MYOPATHY, BENIGN CONGENITAL, WITH CONTRACTURES; Bethlem myopathy 1; Bethlem Muscular Dystrophy. Identifiers: Orphanet 610, MedGen CN029274, MONDO:0024530, OMIM 158810.

gnomAD v4.1: 5 of 1,614,156 alleles (0.00031%); highest among the groups gnomAD compares: Non-Finnish European, 0.00042%; no homozygotes.

Submission:

Labcorp Genetics (formerly Invitae), Labcorp
Classification: Uncertain significance for Bethlem myopathy 1A. Last evaluated: 2025-09-25. Review status: criteria provided, single submitter. Criteria: Invitae Variant Classification Sherloc (09022015). Collection method: clinical testing. Allele origin: germline.
Comment: This sequence change replaces glycine, which is neutral and non-polar, with serine, which is neutral and polar, at codon 2219 of the COL6A3 protein (p.Gly2219Ser). This variant is present in population databases (no rsID available, gnomAD 0.0009%). This variant has not been reported in the literature in individuals affected with COL6A3-related conditions. Invitae Evidence Modeling of protein sequence and biophysical properties (such as structural, functional, and spatial information, amino acid conservation, physicochemical variation, residue mobility, and thermodynamic stability) indicates that this missense variant is expected to disrupt COL6A3 protein function with a positive predictive value of 80%. This variant disrupts the triple helix domain of COL6A3. Glycine residues within the Gly-Xaa-Yaa repeats of the triple helix domain are required for the structure and stability of fibrillar collagens (PMID: 7695699, 8218237, 19344236). In COL6A3, missense variants at these glycine residues are significantly enriched in individuals with autosomal dominant disease (PMID: 15689448, 24038877) compared to the general population (ExAC). In summary, the available evidence is currently insufficient to determine the role of this variant in disease. Therefore, it has been classified as a Variant of Uncertain Significance.

Literature cited by the submitters: PubMed 7695699; PubMed 8218237; PubMed 19344236; PubMed 15689448; PubMed 24038877.

NM_004369.4(COL6A3):c.6655G>A (p.Gly2219Ser)

Gene: COL6A3 (collagen type VI alpha 3 chain; minus strand). Cytogenetic location: 2q37.3.
Variant type: single nucleotide variant.
Coding change: c.6655G>A on transcript NM_004369.4 (MANE Select); coding-DNA position 6655, G replaced by A.
Protein change: p.Gly2219Ser; replaces glycine 2219 with serine.
Molecular consequence: missense variant.
Genome position (GRCh38, 1-based): chr2:237,353,376, C>T on the plus strand (G>A on the coding strand, the complement: COL6A3 is on the minus strand). VCF-style: chr2-237353376-C-T. GRCh37 (hg19) VCF-style: chr2-238262019-C-T.
Other names: c.4834G>A, p.Gly1612Ser (NM_057166.5); c.6037G>A, p.Gly2013Ser (NM_057167.4); short protein forms G2219S, G2013S, G1612S.
Identifiers: ClinVar variation 4714606 (VCV004714606.1).